The following is an entry in ClinVar:

NM_000195.5(HPS1):c.-105-9C>T

Gene: HPS1 (HPS1 biogenesis of lysosomal organelles complex 3 subunit 1; minus strand). Cytogenetic location: 10q24.2.
Variant type: single nucleotide variant.
Coding change: c.-105-9C>T on transcript NM_000195.5 (MANE Select); 9 bases into the intron before 105 bases upstream of the start codon, C replaced by T.
Molecular consequence: intron variant. On other transcripts: 5 prime UTR variant (16).
Genome position (GRCh38, 1-based): chr10:98,445,413, G>A on the plus strand (C>T on the coding strand, the complement: HPS1 is on the minus strand). VCF-style: chr10-98445413-G-A. GRCh37 (hg19) VCF-style: chr10-100205170-G-A.
Other names: c.-1030C>T (NM_001311345.2); c.-114C>T (NM_001322476.2, NM_001322477.2, NM_001322478.2 and 8 more transcripts); c.-340C>T (NM_001322483.2, NM_001322484.2); c.-1129C>T (NM_001322487.2); c.-887C>T (NM_001322489.2); c.-331-9C>T (NM_001322485.2).
Identifiers: ClinVar variation 298360 (VCV000298360.6), dbSNP rs2296429, ClinGen allele CA10633077.
Genomic context (GRCh38, chr10:98,445,413, plus strand): 5'-GCAGACCGACTCGGTGACTGGCTCATGGGAGAGCAGCACAGCATCCCTGGTCCTGCAAAT[G>A]CTTAAAACAGAGAGAATATGAGGGCAGGCAGATGCCCTGGTCTTGACTGCTGCCCGTTGA-3'

ClinVar aggregate classification (germline): Benign. Review status: criteria provided, multiple submitters, no conflicts (2 of 4 stars). 2 submissions from 2 submitters: Benign (2). Last evaluated 2018-01-13.

Conditions:
Hermansky-Pudlak syndrome 1 (HPS1). Also called: DELTA STORAGE POOL DISEASE. Identifiers: Orphanet 231500, Orphanet 79430, MedGen C2931875, MONDO:0008748, OMIM 203300.

Allele frequency attached by ClinVar (database versions not stated): gnomAD 0.01268 and 0.01560; TOPMed 0.01473; 1000 Genomes Project 30x 0.04591; 1000 Genomes Project 0.04692.

Submissions (2):

Illumina Laboratory Services, Illumina
Classification: Benign for Hermansky-Pudlak syndrome 1. Last evaluated: 2018-01-13. Review status: criteria provided, single submitter. Criteria: ICSL Variant Classification Criteria 13 December 2019. Collection method: clinical testing. Allele origin: germline.
Comment: This variant was observed in the ICSL laboratory as part of a predisposition screen in an ostensibly healthy population. It had not been previously curated by ICSL or reported in the Human Gene Mutation Database (HGMD: prior to June 1st, 2018), and was therefore a candidate for classification through an automated scoring system. Utilizing variant allele frequency, disease prevalence and penetrance estimates, and inheritance mode, an automated score was calculated to assess if this variant is too frequent to cause the disease. Based on the score and internal cut-off values, a variant classified as benign is not then subjected to further curation. The score for this variant resulted in a classification of benign for this disease.

Breakthrough Genomics
Classification: Benign. Review status: criteria provided, single submitter. Criteria: ACMG Guidelines, 2015. Collection method: not provided. Allele origin: germline. Inheritance: Autosomal recessive inheritance. Affected: yes.